The following is an entry in ClinVar:

ClinVar aggregate classification (germline): Uncertain significance (1 of 4 stars; one submission).

Conditions:
Cardiovascular phenotype. Identifiers: MedGen CN230736.

Submission:

Ambry Genetics
Classification: Uncertain significance for Cardiovascular phenotype. Last evaluated: 2026-09-11. Review status: criteria provided, single submitter. Criteria: Ambry Variant Classification Scheme 2023. Collection method: clinical testing. Allele origin: germline.
Comment: The p.V2055F variant (also known as c.6163G>T), located in coding exon 26 of the APOB gene, results from a G to T substitution at nucleotide position 6163. The valine at codon 2055 is replaced by phenylalanine, an amino acid with highly similar properties. This amino acid position is conserved. In addition, this alteration is predicted to be tolerated by in silico analysis. Based on the available evidence, the clinical significance of this variant remains unclear.

NM_000384.3(APOB):c.6163G>T (p.Val2055Phe)

Gene: APOB (apolipoprotein B; minus strand). Cytogenetic location: 2p24.1.
Variant type: single nucleotide variant.
Coding change: c.6163G>T on transcript NM_000384.3 (MANE Select); coding-DNA position 6163, G replaced by T.
Protein change: p.Val2055Phe; replaces valine 2055 with phenylalanine.
Molecular consequence: missense variant.
Genome position (GRCh38, 1-based): chr2:21,010,705, C>A on the plus strand (G>T on the coding strand, the complement: APOB is on the minus strand). VCF-style: chr2-21010705-C-A. GRCh37 (hg19) VCF-style: chr2-21233577-C-A.
Other names: short protein forms V2055F.
Identifiers: ClinVar variation 3933676 (VCV003933676.2).